The following is an entry in ClinVar:

NM_001278116.2(L1CAM):c.3773A>T (p.Ter1258Leu)

Gene: L1CAM (L1 cell adhesion molecule; minus strand). Cytogenetic location: Xq28.
Variant type: single nucleotide variant.
Coding change: c.3773A>T on transcript NM_001278116.2 (MANE Select); coding-DNA position 3773, A replaced by T.
Protein change: p.Ter1258Leu.
Molecular consequence: stop lost.
Genome position (GRCh38, 1-based): chrX:153,862,664, T>A on the plus strand (A>T on the coding strand, the complement: L1CAM is on the minus strand). VCF-style: chrX-153862664-T-A. GRCh37 (hg19) VCF-style: chrX-153128119-T-A.
Other names: c.3773A>T, p.Ter1258Leu (NM_000425.5); c.3746A>T, p.Ter1249Leu (NM_001143963.2); c.3761A>T, p.Ter1254Leu (NM_024003.3).
Identifiers: ClinVar variation 2708192 (VCV002708192.3), dbSNP rs2520948529, ClinGen allele CA415105576.

ClinVar aggregate classification (germline): Uncertain significance (1 of 4 stars; one submission).

Conditions:
Spastic paraplegia. Identifiers: MedGen C0037772, HP:0001258.

Submission:

Labcorp Genetics (formerly Invitae), Labcorp
Classification: Uncertain significance for Spastic paraplegia. Last evaluated: 2024-01-19. Review status: criteria provided, single submitter. Criteria: Invitae Variant Classification Sherloc (09022015). Collection method: clinical testing. Allele origin: germline.
Comment: This sequence change disrupts the translational stop signal of the L1CAM mRNA. It is expected to extend the length of the L1CAM protein by 264 additional amino acid residues. This variant is not present in population databases (gnomAD no frequency). This protein extension has been observed in individual(s) with clinical features of L1CAM-related conditions (Invitae). Experimental studies and prediction algorithms are not available or were not evaluated, and the functional significance of this variant is currently unknown. In summary, the available evidence is currently insufficient to determine the role of this variant in disease. Therefore, it has been classified as a Variant of Uncertain Significance.